The following is an entry in ClinVar:

ClinVar aggregate classification (germline): Uncertain significance (1 of 4 stars; one submission).

Conditions:
Autosomal recessive early-onset Parkinson disease 6 (PARK6). Also called: PARKINSON DISEASE 6, EARLY-ONSET; PARKINSON DISEASE 6, MODIFIER OF; PINK1-Related Parkinson Disease; PINK1 Type of Young-Onset Parkinson Disease. Identifiers: Orphanet 2828, MedGen C1853833, MONDO:0011613, OMIM 605909.

Allele frequency attached by ClinVar (database versions not stated): gnomAD exomes 0.00001; gnomAD 0.00002; TOPMed 0.00002; ExAC 0.00007.
gnomAD v4.1: 22 of 1,578,186 alleles (0.0014%); highest among the groups gnomAD compares: Non-Finnish European, 0.0019%; no homozygotes.

Submission:

Labcorp Genetics (formerly Invitae), Labcorp
Classification: Uncertain significance for Autosomal recessive early-onset Parkinson disease 6. Last evaluated: 2021-11-05. Review status: criteria provided, single submitter. Criteria: Invitae Variant Classification Sherloc (09022015). Collection method: clinical testing. Allele origin: germline.
Comment: In summary, the available evidence is currently insufficient to determine the role of this variant in disease. Therefore, it has been classified as a Variant of Uncertain Significance. This sequence change replaces phenylalanine, which is neutral and non-polar, with cysteine, which is neutral and slightly polar, at codon 104 of the PINK1 protein (p.Phe104Cys). This variant is present in population databases (rs762698585, gnomAD 0.005%). This variant has not been reported in the literature in individuals affected with PINK1-related conditions. Algorithms developed to predict the effect of missense changes on protein structure and function are either unavailable or do not agree on the potential impact of this missense change (SIFT: "Deleterious"; PolyPhen-2: "Possibly Damaging"; Align-GVGD: "Class C0").

NM_032409.3(PINK1):c.311T>G (p.Phe104Cys)

Gene: PINK1 (PTEN induced kinase 1; plus strand). Cytogenetic location: 1p36.12.
Variant type: single nucleotide variant.
Coding change: c.311T>G on transcript NM_032409.3 (MANE Select); coding-DNA position 311, T replaced by G.
Protein change: p.Phe104Cys; replaces phenylalanine 104 with cysteine.
Molecular consequence: missense variant.
Genome position (GRCh38, 1-based): chr1:20,633,859, T>G. VCF-style: chr1-20633859-T-G. GRCh37 (hg19) VCF-style: chr1-20960352-T-G.
Other names: short protein forms F104C.
Identifiers: ClinVar variation 1405928 (VCV001405928.6), dbSNP rs762698585, ClinGen allele CA660366.